The following is an entry in ClinVar:

ClinVar aggregate classification (germline): Uncertain significance. Review status: criteria provided, multiple submitters, no conflicts (2 of 4 stars). 2 submissions from 2 submitters: Uncertain significance (2). Last evaluated 2025-09-24.

Conditions:
Familial hyperparathyroidism or Hypocalciuric hypercalcaemia.
Autosomal dominant hypocalcemia 1 (HYPOC1). Also called: HYPOCALCEMIA, FAMILIAL. Identifiers: MedGen C3715128, MONDO:0011013, OMIM 601198.
Familial hypocalciuric hypercalcemia (FHH). Also called: Familial benign hypercalcemia. Identifiers: Orphanet 405, MedGen C1809471, MONDO:0018458.

Submissions (2):

Cambridge Genomics Laboratory, East Genomic Laboratory Hub, NHS Genomic Medicine Service
Classification: Uncertain significance for Familial hyperparathyroidism or Hypocalciuric hypercalcaemia. Last evaluated: 2025-09-24. Review status: criteria provided, single submitter. Criteria: ACGS Best Practice Guidelines for Variant Classification in Rare Disease 2020. Collection method: clinical testing. Allele origin: germline. Affected: yes.
Comment: PS4_Supporting,PM2

Labcorp Genetics (formerly Invitae), Labcorp
Classification: Uncertain significance for Familial hypocalciuric hypercalcemia; Autosomal dominant hypocalcemia 1. Last evaluated: 2023-01-09. Review status: criteria provided, single submitter. Criteria: Invitae Variant Classification Sherloc (09022015). Collection method: clinical testing. Allele origin: germline.
Comment: In summary, the available evidence is currently insufficient to determine the role of this variant in disease. Therefore, it has been classified as a Variant of Uncertain Significance. Algorithms developed to predict the effect of missense changes on protein structure and function (SIFT, PolyPhen-2, Align-GVGD) all suggest that this variant is likely to be disruptive. This variant has not been reported in the literature in individuals affected with CASR-related conditions. This variant is not present in population databases (gnomAD no frequency). This sequence change replaces serine, which is neutral and polar, with glycine, which is neutral and non-polar, at codon 750 of the CASR protein (p.Ser750Gly).

NM_000388.4(CASR):c.2248A>G (p.Ser750Gly)

Gene: CASR (calcium sensing receptor; plus strand). Cytogenetic location: 3q21.1.
Variant type: single nucleotide variant.
Coding change: c.2248A>G on transcript NM_000388.4 (MANE Select); coding-DNA position 2248, A replaced by G.
Protein change: p.Ser750Gly; replaces serine 750 with glycine.
Molecular consequence: missense variant.
Genome position (GRCh38, 1-based): chr3:122,284,202, A>G. VCF-style: chr3-122284202-A-G. GRCh37 (hg19) VCF-style: chr3-122003049-A-G.
Other names: c.2278A>G, p.Ser760Gly (NM_001178065.2); short protein forms S750G, S760G.
Identifiers: ClinVar variation 2926918 (VCV002926918.4), dbSNP rs2473278971, ClinGen allele CA354159176.
Genomic context (GRCh38, chr3:122,284,202, plus strand): 5'-CTCTGCACCTTCATGCAGATTGTCATCTGTGTGATCTGGCTCTACACCGCGCCCCCGTCA[A>G]GCTACCGCAACCAGGAGCTGGAGGATGAGATCATCTTCATCACGTGCCACGAGGGCTCCC-3'
Protein context (NP_000379.3, residues 740-760): VIWLYTAPPS[Ser750Gly]YRNQELEDEI